The following is an entry in ClinVar:

NM_001220.5(CAMK2B):c.1060C>T (p.Pro354Ser)

Gene: CAMK2B (calcium/calmodulin dependent protein kinase II beta; minus strand). Cytogenetic location: 7p13.
Variant type: single nucleotide variant.
Coding change: c.1060C>T on transcript NM_001220.5 (MANE Select); coding-DNA position 1060, C replaced by T.
Protein change: p.Pro354Ser; replaces proline 354 with serine.
Molecular consequence: missense variant. On other transcripts: intron variant (3).
Genome position (GRCh38, 1-based): chr7:44,234,461, G>A on the plus strand (C>T on the coding strand, the complement: CAMK2B is on the minus strand). VCF-style: chr7-44234461-G-A. GRCh37 (hg19) VCF-style: chr7-44274060-G-A.
Other names: c.1060C>T, p.Pro354Ser (NM_001293170.2, NM_172078.3); c.988C>T, p.Pro330Ser (NM_172079.3, NM_172081.3); c.985C>T, p.Pro329Ser (NM_172080.3); c.946+6246C>T (NM_172084.3); c.987+178C>T (NM_172083.3); c.1059+178C>T (NM_172082.3); c.1060C>T (NM_001220.4); short protein forms P329S, P330S, P354S.
Identifiers: ClinVar variation 1656082 (VCV001656082.16), dbSNP rs368239239, ClinGen allele CA4240481.
Genomic context (GRCh38, chr7:44,234,461, plus strand): 5'-GAGGAAGCGTCCCTTTGGGGCTGGTGGCGGCTGCACTGTTTTTGGTGCTATTCGTCTGGG[G>A]CTGTGGAGAGAGGGAAGAGGAACTCTTAGGTGGGAGAAGCCCCTCACTCGCCATTCCCTG-3'
Protein context (NP_001211.3, residues 344-364): LLNKKADGVK[Pro354Ser]QTNSTKNSAA

ClinVar aggregate classification (germline): Benign/Likely benign. Review status: criteria provided, multiple submitters, no conflicts (2 of 4 stars). 3 submissions from 3 submitters: Benign (1); Likely benign (2). Last evaluated 2025-11-27.

Conditions:
Inborn genetic diseases. Identifiers: MedGen C0950123, MeSH D030342.

Allele frequency attached by ClinVar (database versions not stated): gnomAD exomes 0.00006 and 0.00007; ESP Exome Variant Server 0.00015; 1000 Genomes Project 30x 0.00016; gnomAD 0.00016 and 0.00017; 1000 Genomes Project 0.00020; TOPMed 0.00020; ExAC 0.00024.
gnomAD v4.1: 132 of 1,571,200 alleles (0.0084%); highest among the groups gnomAD compares: Middle Eastern, 0.051%; no homozygotes.

Submissions (3):

Labcorp Genetics (formerly Invitae), Labcorp
Classification: Benign. Last evaluated: 2025-11-27. Review status: criteria provided, single submitter. Criteria: Invitae Variant Classification Sherloc (09022015). Collection method: clinical testing. Allele origin: germline.

CeGaT Center for Human Genetics Tuebingen
Classification: Likely benign. Last evaluated: 2025-09-01. Review status: criteria provided, single submitter. Criteria: CeGaT Center For Human Genetics Tuebingen Variant Classification Criteria Version 2. Collection method: clinical testing. Allele origin: germline. Affected: yes. Observed: 1 variant allele.
Comment: CAMK2B: BS2

Ambry Genetics
Classification: Likely benign for Inborn genetic diseases. Last evaluated: 2024-01-04. Review status: criteria provided, single submitter. Criteria: Ambry Variant Classification Scheme 2023. Collection method: clinical testing. Allele origin: germline.